The following is an entry in ClinVar:

ClinVar aggregate classification (germline): Uncertain significance (1 of 4 stars; one submission).

Conditions:
RASopathy. Also called: rasopathies; Noonan spectrum disorder. Identifiers: Orphanet 536391, MedGen C5555857, MONDO:0021060.

Allele frequency attached by ClinVar (database versions not stated): gnomAD exomes below 0.00001.
gnomAD v4.1: 3 of 1,614,030 alleles (0.00019%); highest among the groups gnomAD compares: Non-Finnish European, 0.000085%; no homozygotes.

Submission:

Labcorp Genetics (formerly Invitae), Labcorp
Classification: Uncertain significance for RASopathy. Last evaluated: 2025-06-18. Review status: criteria provided, single submitter. Criteria: Invitae Variant Classification Sherloc (09022015). Collection method: clinical testing. Allele origin: germline.
Comment: This sequence change replaces alanine, which is neutral and non-polar, with threonine, which is neutral and polar, at codon 620 of the RAF1 protein (p.Ala620Thr). This variant is not present in population databases (gnomAD no frequency). This missense change has been observed in individual(s) with hypertrophic cardiomyopathy (PMID: 26656175). ClinVar contains an entry for this variant (Variation ID: 949432). Invitae Evidence Modeling incorporating data from in vitro experimental studies (internal data) indicates that this missense variant is not expected to disrupt RAF1 function with a negative predictive value of 80%. In summary, the available evidence is currently insufficient to determine the role of this variant in disease. Therefore, it has been classified as a Variant of Uncertain Significance.

Literature cited by the submitters: PubMed 26656175.

NM_002880.4(RAF1):c.1858G>A (p.Ala620Thr)

Gene: RAF1 (Raf-1 proto-oncogene, serine/threonine kinase; minus strand). Cytogenetic location: 3p25.2.
Variant type: single nucleotide variant.
Coding change: c.1858G>A on transcript NM_002880.4 (MANE Select); coding-DNA position 1858, G replaced by A.
Protein change: p.Ala620Thr; replaces alanine 620 with threonine.
Molecular consequence: missense variant. On other transcripts: non-coding transcript variant (3).
Genome position (GRCh38, 1-based): chr3:12,584,603, C>T on the plus strand (G>A on the coding strand, the complement: RAF1 is on the minus strand). VCF-style: chr3-12584603-C-T. GRCh37 (hg19) VCF-style: chr3-12626102-C-T.
Other names: c.1918G>A, p.Ala640Thr (NM_001354689.3); c.1858G>A, p.Ala620Thr (NM_001354690.3); c.1615G>A, p.Ala539Thr (NM_001354691.3, NM_001354692.3); c.1759G>A, p.Ala587Thr (NM_001354693.3); c.1675G>A, p.Ala559Thr (NM_001354694.3); c.1516G>A, p.Ala506Thr (NM_001354695.3); short protein forms A587T, A620T, A506T, A640T, A539T, A559T.
Identifiers: ClinVar variation 949432 (VCV000949432.9), dbSNP rs865905076, ClinGen allele CA69602350.